The following is an entry in ClinVar:

NM_000843.4(GRM6):c.431G>A (p.Arg144His)

Gene: GRM6 (glutamate metabotropic receptor 6; minus strand). Cytogenetic location: 5q35.3.
Variant type: single nucleotide variant.
Coding change: c.431G>A on transcript NM_000843.4 (MANE Select); coding-DNA position 431, G replaced by A.
Protein change: p.Arg144His; replaces arginine 144 with histidine.
Molecular consequence: missense variant.
Genome position (GRCh38, 1-based): chr5:178,994,514, C>T on the plus strand (G>A on the coding strand, the complement: GRM6 is on the minus strand). VCF-style: chr5-178994514-C-T. GRCh37 (hg19) VCF-style: chr5-178421515-C-T.
Other names: short protein forms R144H.
Identifiers: ClinVar variation 2026134 (VCV002026134.4), dbSNP rs1340110862, ClinGen allele CA362435798.
Genomic context (GRCh38, chr5:178,994,514, plus strand): 5'-AGCACGTTGGCGACCATGATGGAGACGGAGCTGGCCGAGGCGCCCACGACGGCCACGACG[C>T]GCTCGGGGGGCGCGGGGCGCAGCGGAGGGACGCCTCCCGGGCAGCGCACGCCCACCTCGT-3'
Protein context (NP_000834.2, residues 134-154): VPPLRPAPPE[Arg144His]VVAVVGASAS

ClinVar aggregate classification (germline): Uncertain significance (1 of 4 stars; one submission).

gnomAD v4.1: 5 of 1,416,530 alleles (0.00035%); highest among the groups gnomAD compares: East Asian, 0.0031%; no homozygotes.

Submission:

Labcorp Genetics (formerly Invitae), Labcorp
Classification: Uncertain significance. Last evaluated: 2022-07-19. Review status: criteria provided, single submitter. Criteria: Invitae Variant Classification Sherloc (09022015). Collection method: clinical testing. Allele origin: germline.
Comment: In summary, the available evidence is currently insufficient to determine the role of this variant in disease. Therefore, it has been classified as a Variant of Uncertain Significance. Advanced modeling of protein sequence and biophysical properties (such as structural, functional, and spatial information, amino acid conservation, physicochemical variation, residue mobility, and thermodynamic stability) performed at Invitae indicates that this missense variant is not expected to disrupt GRM6 protein function. This variant has not been reported in the literature in individuals affected with GRM6-related conditions. This variant is not present in population databases (gnomAD no frequency). This sequence change replaces arginine, which is basic and polar, with histidine, which is basic and polar, at codon 144 of the GRM6 protein (p.Arg144His).